The following is an entry in ClinVar:

NM_002890.3(RASA1):c.1476T>A (p.Asn492Lys)

Genes: CCNH (cyclin H; minus strand), RASA1 (RAS p21 protein activator 1; plus strand). Cytogenetic location: 5q14.3.
Variant type: single nucleotide variant.
Coding change: c.1476T>A on transcript NM_002890.3 (MANE Select); coding-DNA position 1476, T replaced by A.
Protein change: p.Asn492Lys; replaces asparagine 492 with lysine.
Molecular consequence: missense variant. On other transcripts: intron variant (1).
Genome position (GRCh38, 1-based): chr5:87,363,370, T>A. VCF-style: chr5-87363370-T-A. GRCh37 (hg19) VCF-style: chr5-86659187-T-A.
Other names: c.945T>A, p.Asn315Lys (NM_022650.3); c.933+31674A>T (NM_001364075.2); short protein forms N315K, N492K.
Identifiers: ClinVar variation 4774307 (VCV004774307.1).

ClinVar aggregate classification (germline): Uncertain significance (1 of 4 stars; one submission).

Conditions:
Capillary malformation-arteriovenous malformation syndrome. Also called: Capillary malformation-arteriovenous malformation. Identifiers: Orphanet 137667, MedGen C1842180, MONDO:0012016.

Submission:

Labcorp Genetics (formerly Invitae), Labcorp
Classification: Uncertain significance for Capillary malformation-arteriovenous malformation syndrome. Last evaluated: 2025-12-02. Review status: criteria provided, single submitter. Criteria: Invitae Variant Classification Sherloc (09022015). Collection method: clinical testing. Allele origin: germline.
Comment: This sequence change replaces asparagine, which is neutral and polar, with lysine, which is basic and polar, at codon 492 of the RASA1 protein (p.Asn492Lys). This variant is not present in population databases (gnomAD no frequency). This variant has not been reported in the literature in individuals affected with RASA1-related conditions. An algorithm developed to predict the effect of missense changes on protein structure and function (PolyPhen-2) suggests that this variant is likely to be tolerated. In summary, the available evidence is currently insufficient to determine the role of this variant in disease. Therefore, it has been classified as a Variant of Uncertain Significance.